The following is an entry in ClinVar:

ClinVar aggregate classification (germline): Uncertain significance (1 of 4 stars; one submission).

Allele frequency attached by ClinVar (database versions not stated): gnomAD exomes below 0.00001; TOPMed below 0.00001; gnomAD 0.00001; ExAC 0.00002.
gnomAD v4.1: 3 of 1,613,858 alleles (0.00019%); highest among the groups gnomAD compares: Admixed American, 0.005%; no homozygotes.

Submission:

Labcorp Genetics (formerly Invitae), Labcorp
Classification: Uncertain significance. Last evaluated: 2024-03-03. Review status: criteria provided, single submitter. Criteria: Invitae Variant Classification Sherloc (09022015). Collection method: clinical testing. Allele origin: germline.
Comment: This sequence change replaces arginine, which is basic and polar, with lysine, which is basic and polar, at codon 370 of the TNFRSF11B protein (p.Arg370Lys). This variant is present in population databases (rs749484101, gnomAD 0.01%). This variant has not been reported in the literature in individuals affected with TNFRSF11B-related conditions. Algorithms developed to predict the effect of missense changes on protein structure and function output the following: SIFT: "Not Available"; PolyPhen-2: "Benign"; Align-GVGD: "Not Available". The lysine amino acid residue is found in multiple mammalian species, which suggests that this missense change does not adversely affect protein function. In summary, the available evidence is currently insufficient to determine the role of this variant in disease. Therefore, it has been classified as a Variant of Uncertain Significance.

NM_002546.4(TNFRSF11B):c.1109G>A (p.Arg370Lys)

Gene: TNFRSF11B (TNF receptor superfamily member 11b; minus strand). Cytogenetic location: 8q24.12.
Variant type: single nucleotide variant.
Coding change: c.1109G>A on transcript NM_002546.4 (MANE Select); coding-DNA position 1109, G replaced by A.
Protein change: p.Arg370Lys; replaces arginine 370 with lysine.
Molecular consequence: missense variant.
Genome position (GRCh38, 1-based): chr8:118,924,471, C>T on the plus strand (G>A on the coding strand, the complement: TNFRSF11B is on the minus strand). VCF-style: chr8-118924471-C-T. GRCh37 (hg19) VCF-style: chr8-119936710-C-T.
Other names: short protein forms R370K.
Identifiers: ClinVar variation 3012328 (VCV003012328.3), dbSNP rs749484101, ClinGen allele CA4854766.